The following is an entry in ClinVar:

ClinVar aggregate classification (germline): Pathogenic/Likely pathogenic. Review status: criteria provided, multiple submitters, no conflicts (2 of 4 stars). 3 submissions from 3 submitters: Pathogenic (1); Likely pathogenic (1). 1 of the submissions does not count toward it. Last evaluated 2024-03-05.

Conditions:
Spastic paraplegia. Identifiers: MedGen C0037772, HP:0001258.
Charlevoix-Saguenay spastic ataxia (SACS). Also called: SPASTIC ATAXIA 6, AUTOSOMAL RECESSIVE; AUTOSOMAL RECESSIVE SPASTIC ATAXIA OF CHARLEVOIX-SAGUENAY; Spastic ataxia of Charlevoix-Saguenay. Identifiers: Orphanet 98, MedGen C1849140, MONDO:0010041, OMIM 270550.

Submissions (3):

Fulgent Genetics
Classification: Likely pathogenic for Charlevoix-Saguenay spastic ataxia. Last evaluated: 2024-03-05. Review status: criteria provided, single submitter. Criteria: ACMG Guidelines, 2015. Collection method: clinical testing. Allele origin: germline.

Labcorp Genetics (formerly Invitae), Labcorp
Classification: Pathogenic for Spastic paraplegia. Last evaluated: 2023-03-21. Review status: criteria provided, single submitter. Criteria: Invitae Variant Classification Sherloc (09022015). Collection method: clinical testing. Allele origin: germline.
Comment: This sequence change creates a premature translational stop signal (p.Asp4256Thrfs*18) in the SACS gene. While this is not anticipated to result in nonsense mediated decay, it is expected to disrupt the last 324 amino acid(s) of the SACS protein. This variant is not present in population databases (gnomAD no frequency). This variant has not been reported in the literature in individuals affected with SACS-related conditions. ClinVar contains an entry for this variant (Variation ID: 553535). This variant disrupts a region of the SACS protein in which other variant(s) (p.Asn4549Asp) have been determined to be pathogenic (PMID: 15156359, 21507954). This suggests that this is a clinically significant region of the protein, and that variants that disrupt it are likely to be disease-causing. For these reasons, this variant has been classified as Pathogenic.

Counsyl
Classification: Likely pathogenic for Charlevoix-Saguenay spastic ataxia. Last evaluated: 2017-08-29. Review status: no assertion criteria provided. Collection method: clinical testing. Allele origin: unknown. Not counted in ClinVar's aggregate classification.

Literature cited by the submitters: PubMed 15156359 (cited by Labcorp Genetics (formerly Invitae), Labcorp); PubMed 21507954 (cited by Labcorp Genetics (formerly Invitae), Labcorp).

NM_014363.6(SACS):c.12766del (p.Asp4256fs)

Gene: SACS (sacsin molecular chaperone; minus strand). Cytogenetic location: 13q12.12.
Variant type: Deletion.
Coding change: c.12766del on transcript NM_014363.6 (MANE Select); coding-DNA position 12766, one base deleted (G; older notation c.12766delG).
Protein change: p.Asp4256fs; shifts the reading frame from aspartic acid 4256.
Molecular consequence: frameshift variant.
Genome position (GRCh38, 1-based): chr13:23,331,110, C deleted on the plus strand (G on the coding strand, the reverse complement: SACS is on the minus strand); the first of 3 consecutive C bases (chr13:23,331,110-23,331,112); deleting any one gives the same sequence. VCF-style (leftmost placement, unchanged base first): chr13-23331109-TC-T. GRCh37 (hg19) VCF-style: chr13-23905248-TC-T.
Other names: c.12325del, p.Asp4109fs (NM_001278055.2); short protein forms D4109fs, D4256fs.
Identifiers: ClinVar variation 553535 (VCV000553535.6), dbSNP rs1555249479, ClinGen allele CA658823521.